The following is an entry in ClinVar:

NM_000535.7(PMS2):c.2449A>T (p.Met817Leu)

Gene: PMS2 (PMS1 homolog 2, mismatch repair system component; minus strand). Cytogenetic location: 7p22.1.
Variant type: single nucleotide variant.
Coding change: c.2449A>T on transcript NM_000535.7 (MANE Select); coding-DNA position 2449, A replaced by T.
Protein change: p.Met817Leu; replaces methionine 817 with leucine.
Molecular consequence: missense variant. On other transcripts: non-coding transcript variant (1).
Genome position (GRCh38, 1-based): chr7:5,973,539, T>A on the plus strand (A>T on the coding strand, the complement: PMS2 is on the minus strand). VCF-style: chr7-5973539-T-A. GRCh37 (hg19) VCF-style: chr7-6013170-T-A.
Other names: c.2140A>T, p.Met714Leu (NM_001406877.1, NM_001406878.1, NM_001406879.1 and 4 more transcripts); c.2131A>T, p.Met711Leu (NM_001406883.1, NM_001322007.2, NM_001322008.2); c.2125A>T, p.Met709Leu (NM_001406884.1); c.2113A>T, p.Met705Leu (NM_001406885.1); c.2083A>T, p.Met695Leu (NM_001406886.1); c.2044A>T, p.Met682Leu (NM_001406896.1, NM_001406897.1, NM_001406898.1 and 11 more transcripts); c.1984A>T, p.Met662Leu (NM_001406900.1); c.1975A>T, p.Met659Leu (NM_001406901.1, NM_001406902.1); and 20 more; short protein forms M416L, M506L, M560L, M578L, M626L, M630L, M646L, M655L.
Identifiers: ClinVar variation 4862101 (VCV004862101.1).

ClinVar aggregate classification (germline): Uncertain significance (1 of 4 stars; one submission).

Conditions:
Hereditary cancer-predisposing syndrome. Also called: Neoplastic Syndromes, Hereditary; Tumor predisposition; Hereditary Cancer Syndrome; Hereditary neoplastic syndrome. Identifiers: Orphanet 140162, MedGen C0027672, MeSH D009386, MONDO:0015356.

Submission:

Ambry Genetics
Classification: Uncertain significance for Hereditary cancer-predisposing syndrome. Last evaluated: 2026-03-30. Review status: criteria provided, single submitter. Criteria: Ambry Variant Classification Scheme 2023. Collection method: clinical testing. Allele origin: germline.
Comment: The p.M817L variant (also known as c.2449A>T), located in coding exon 15 of the PMS2 gene, results from an A to T substitution at nucleotide position 2449. The methionine at codon 817 is replaced by leucine, an amino acid with highly similar properties. This amino acid position is conserved. In addition, this alteration is predicted to be deleterious by in silico analysis. Based on the available evidence, the clinical significance of this variant remains unclear.